The following is an entry in ClinVar:

NM_005068.3(SIM1):c.832C>A (p.Arg278Ser)

Gene: SIM1 (SIM bHLH transcription factor 1; minus strand). Cytogenetic location: 6q16.3.
Variant type: single nucleotide variant.
Coding change: c.832C>A on transcript NM_005068.3 (MANE Select); coding-DNA position 832, C replaced by A.
Protein change: p.Arg278Ser; replaces arginine 278 with serine.
Molecular consequence: missense variant.
Genome position (GRCh38, 1-based): chr6:100,448,164, G>T on the plus strand (C>A on the coding strand, the complement: SIM1 is on the minus strand). VCF-style: chr6-100448164-G-T. GRCh37 (hg19) VCF-style: chr6-100896040-G-T.
Other names: c.832C>A, p.Arg278Ser (NM_001374769.1); short protein forms R278S.
Identifiers: ClinVar variation 3383576 (VCV003383576.1).

ClinVar aggregate classification (germline): Uncertain significance (1 of 4 stars; one submission).

Submission:

GeneDx
Classification: Uncertain significance. Last evaluated: 2024-05-26. Review status: criteria provided, single submitter. Criteria: GeneDx Variant Classification Process June 2021. Collection method: clinical testing. Allele origin: germline. Affected: yes.
Comment: Not observed at significant frequency in large population cohorts (gnomAD); In silico analysis supports that this missense variant has a deleterious effect on protein structure/function; Has not been previously published as pathogenic or benign to our knowledge